The following is an entry in ClinVar:

ClinVar aggregate classification (germline): Uncertain significance (1 of 4 stars; one submission).

Conditions:
Familial thoracic aortic aneurysm and aortic dissection (TAAD). Also called: Thoracic aortic aneurysms and dissections. Identifiers: Orphanet 91387, MedGen C4707243, MONDO:0019625.

Submission:

Ambry Genetics
Classification: Uncertain significance for Familial thoracic aortic aneurysm and aortic dissection. Last evaluated: 2020-03-18. Review status: criteria provided, single submitter. Criteria: Ambry Variant Classification Scheme 2023. Collection method: clinical testing. Allele origin: germline.
Comment: The p.I170S variant (also known as c.509T>G), located in coding exon 4 of the TGFBR2 gene, results from a T to G substitution at nucleotide position 509. The isoleucine at codon 170 is replaced by serine, an amino acid with dissimilar properties. This amino acid position is poorly conserved in available vertebrate species. In addition, this alteration is predicted to be tolerated by in silico analysis. Since supporting evidence is limited at this time, the clinical significance of this alteration remains unclear.

NM_003242.6(TGFBR2):c.509T>G (p.Ile170Ser)

Gene: TGFBR2 (transforming growth factor beta receptor 2; plus strand). Cytogenetic location: 3p24.1.
Variant type: single nucleotide variant.
Coding change: c.509T>G on transcript NM_003242.6 (MANE Select); coding-DNA position 509, T replaced by G.
Protein change: p.Ile170Ser; replaces isoleucine 170 with serine.
Molecular consequence: missense variant.
Genome position (GRCh38, 1-based): chr3:30,671,692, T>G. VCF-style: chr3-30671692-T-G. GRCh37 (hg19) VCF-style: chr3-30713184-T-G.
Other names: c.584T>G, p.Ile195Ser (NM_001024847.3); c.692T>G, p.Ile231Ser (NM_001407126.1); c.617T>G, p.Ile206Ser (NM_001407127.1); c.536T>G, p.Ile179Ser (NM_001407128.1); c.512T>G, p.Ile171Ser (NM_001407129.1); c.509T>G, p.Ile170Ser (NM_001407130.1); c.404T>G, p.Ile135Ser (NM_001407132.1, NM_001407133.1, NM_001407134.1 and 2 more transcripts); c.224T>G, p.Ile75Ser (NM_001407137.1); and 1 more; short protein forms I75S, I171S, I206S, I231S, I135S, I50S, I170S, I179S.
Identifiers: ClinVar variation 1745330 (VCV001745330.2), dbSNP rs2470559545, ClinGen allele CA351807266.
Genomic context (GRCh38, chr3:30,671,692, plus strand): 5'-CATCAGAATATAACACCAGCAATCCTGACTTGTTGCTAGTCATATTTCAAGTGACAGGCA[T>G]CAGCCTCCTGCCACCACTGGGAGTTGCCATATCTGTCATCATCATCTTCTACTGCTACCG-3'
Protein context (NP_003233.4, residues 160-180): LLLVIFQVTG[Ile170Ser]SLLPPLGVAI